The following is an entry in ClinVar:

NM_031935.3(HMCN1):c.4629T>C (p.Tyr1543=)

Gene: HMCN1 (hemicentin 1; plus strand). Cytogenetic location: 1q31.1.
Variant type: single nucleotide variant.
Coding change: c.4629T>C on transcript NM_031935.3 (MANE Select); coding-DNA position 4629, T replaced by C.
Protein change: p.Tyr1543=; no amino-acid change (tyrosine 1543 retained).
Molecular consequence: synonymous variant.
Genome position (GRCh38, 1-based): chr1:186,007,281, T>C. VCF-style: chr1-186007281-T-C. GRCh37 (hg19) VCF-style: chr1-185976413-T-C.
Identifiers: ClinVar variation 1934902 (VCV001934902.5), dbSNP rs1653704829, ClinGen allele CA422326237.

ClinVar aggregate classification (germline): Uncertain significance (1 of 4 stars; one submission).

Allele frequency attached by ClinVar (database versions not stated): TOPMed below 0.00001.
gnomAD v4.1: 6 of 1,613,370 alleles (0.00037%); highest among the groups gnomAD compares: East Asian, 0.0022%; no homozygotes.

Submission:

Labcorp Genetics (formerly Invitae), Labcorp
Classification: Uncertain significance. Last evaluated: 2022-10-19. Review status: criteria provided, single submitter. Criteria: Invitae Variant Classification Sherloc (09022015). Collection method: clinical testing. Allele origin: germline.
Comment: In summary, the available evidence is currently insufficient to determine the role of this variant in disease. Therefore, it has been classified as a Variant of Uncertain Significance. Algorithms developed to predict the effect of sequence changes on RNA splicing suggest that this variant is not likely to affect RNA splicing. This variant has not been reported in the literature in individuals affected with HMCN1-related conditions. This variant is not present in population databases (gnomAD no frequency). This sequence change affects codon 1543 of the HMCN1 mRNA. It is a 'silent' change, meaning that it does not change the encoded amino acid sequence of the HMCN1 protein. It affects a nucleotide within the consensus splice site.